The following is an entry in ClinVar:

ClinVar aggregate classification (germline): Uncertain significance (1 of 4 stars; one submission).

Conditions:
Spermatogenic failure 18. Identifiers: MedGen C4539783, MONDO:0054615, OMIM 617576.
Ciliary dyskinesia, primary, 37 (CILD37). Also called: CILIARY DYSKINESIA, PRIMARY, 37, WITH OR WITHOUT SITUS INVERSUS. Identifiers: MedGen C4539798, MONDO:0033204, OMIM 617577.

Allele frequency attached by ClinVar (database versions not stated): ExAC 0.00001; gnomAD 0.00001; gnomAD exomes 0.00001; TOPMed 0.00001.
gnomAD v4.1: 13 of 1,584,830 alleles (0.00082%); highest among the groups gnomAD compares: Admixed American, 0.0017%; no homozygotes.

Submission:

Labcorp Genetics (formerly Invitae), Labcorp
Classification: Uncertain significance for Ciliary dyskinesia, primary, 37; Spermatogenic failure 18. Last evaluated: 2022-03-28. Review status: criteria provided, single submitter. Criteria: Invitae Variant Classification Sherloc (09022015). Collection method: clinical testing. Allele origin: germline.
Comment: This sequence change replaces arginine, which is basic and polar, with glutamine, which is neutral and polar, at codon 3891 of the DNAH1 protein (p.Arg3891Gln). This variant is present in population databases (rs772027879, gnomAD 0.002%). This variant has not been reported in the literature in individuals affected with DNAH1-related conditions. Algorithms developed to predict the effect of missense changes on protein structure and function are either unavailable or do not agree on the potential impact of this missense change (SIFT: "Deleterious"; PolyPhen-2: "Probably Damaging"; Align-GVGD: "Class C0"). In summary, the available evidence is currently insufficient to determine the role of this variant in disease. Therefore, it has been classified as a Variant of Uncertain Significance.

NM_015512.5(DNAH1):c.11672G>A (p.Arg3891Gln)

Gene: DNAH1 (dynein axonemal heavy chain 1; plus strand). Cytogenetic location: 3p21.1.
Variant type: single nucleotide variant.
Coding change: c.11672G>A on transcript NM_015512.5 (MANE Select); coding-DNA position 11672, G replaced by A.
Protein change: p.Arg3891Gln; replaces arginine 3891 with glutamine.
Molecular consequence: missense variant.
Genome position (GRCh38, 1-based): chr3:52,396,929, G>A. VCF-style: chr3-52396929-G-A. GRCh37 (hg19) VCF-style: chr3-52430945-G-A.
Other names: short protein forms R3891Q.
Identifiers: ClinVar variation 1983389 (VCV001983389.1), dbSNP rs772027879, ClinGen allele CA2436252.